The following is an entry in ClinVar:

ClinVar aggregate classification (germline): Uncertain significance. Review status: criteria provided, multiple submitters, no conflicts (2 of 4 stars). 4 submissions from 4 submitters: Uncertain significance (4). Last evaluated 2025-10-05.

Conditions:
Welander distal myopathy (WDM). Also called: Gower's muscular dystrophy; MUSCULAR DYSTROPHY, DISTAL, LATE-ONSET, AUTOSOMAL DOMINANT; Welander distal myopathy, Swedish type; Distal myopathy, Swedish type. Identifiers: Orphanet 603, MedGen C0221054, MONDO:0011466, OMIM 604454.

Allele frequency attached by ClinVar (database versions not stated): gnomAD exomes below 0.00001 and 0.00003; TOPMed 0.00002; gnomAD 0.00003 and 0.00004.

Submissions (4):

Labcorp Genetics (formerly Invitae), Labcorp
Classification: Uncertain significance for Welander distal myopathy. Last evaluated: 2025-10-05. Review status: criteria provided, single submitter. Criteria: Invitae Variant Classification Sherloc (09022015). Collection method: clinical testing. Allele origin: germline.
Comment: This sequence change falls in intron 4 of the TIA1 gene. It does not directly change the encoded amino acid sequence of the TIA1 protein. It affects a nucleotide within the consensus splice site. This variant is present in population databases (no rsID available, gnomAD 0.0009%). This variant has not been reported in the literature in individuals affected with TIA1-related conditions. ClinVar contains an entry for this variant (Variation ID: 656197). Variants that disrupt the consensus splice site are a relatively common cause of aberrant splicing (PMID: 17576681, 9536098). Algorithms developed to predict the effect of sequence changes on RNA splicing suggest that this variant may disrupt the consensus splice site. In summary, the available evidence is currently insufficient to determine the role of this variant in disease. Therefore, it has been classified as a Variant of Uncertain Significance.

Mayo Clinic Laboratories, Mayo Clinic
Classification: Uncertain significance. Last evaluated: 2025-06-06. Review status: criteria provided, single submitter. Criteria: ACMG Guidelines, 2015. Collection method: clinical testing. Allele origin: germline. Observed: 1 variant allele.

Women's Health and Genetics/Laboratory Corporation of America, LabCorp
Classification: Uncertain significance. Last evaluated: 2025-05-29. Review status: criteria provided, single submitter. Criteria: LabCorp Variant Classification Summary - May 2015. Collection method: clinical testing. Allele origin: germline.
Comment: Variant summary: TIA1 c.277+3_277+5dupAAG alters a conserved nucleotide located close to a canonical splice site and therefore could affect mRNA splicing, leading to a significantly altered protein sequence. Several computational tools predict a significant impact on normal splicing: Two predict the variant weakens a 5' donor site. However, these predictions have yet to be confirmed by functional studies. The variant allele was found at a frequency of 4e-06 in 251192 control chromosomes. The available data on variant occurrences in the general population are insufficient to allow any conclusion about variant significance. To our knowledge, no occurrence of c.277+3_277+5dupAAG in individuals affected with TIA1-Related Disorders and no experimental evidence demonstrating its impact on protein function have been reported. ClinVar contains an entry for this variant (Variation ID: 656197). Based on the evidence outlined above, the variant was classified as uncertain significance.

Revvity Omics, Revvity
Classification: Uncertain significance. Last evaluated: 2025-05-16. Review status: criteria provided, single submitter. Criteria: ACMG Guidelines, 2015. Collection method: clinical testing. Allele origin: germline.

Literature cited by the submitters: PubMed 17576681 (cited by Labcorp Genetics (formerly Invitae), Labcorp); PubMed 9536098 (cited by Labcorp Genetics (formerly Invitae), Labcorp).

NM_022173.4(TIA1):c.277+3_277+5dup

Gene: TIA1 (TIA1 cytotoxic granule associated RNA binding protein; minus strand). Cytogenetic location: 2p13.3.
Variant type: Duplication.
Coding change: c.277+3_277+5dup on transcript NM_022173.4 (MANE Select); bases 3 to 5 of the intron after coding-DNA position 277, 3 bases duplicated (AAG; older notation c.277+3_277+5dupAAG).
Molecular consequence: intron variant.
Genome position (GRCh38, 1-based): chr2:70,229,259-70,229,261, CTT duplicated on the plus strand (AAG on the coding strand, the reverse complement: TIA1 is on the minus strand). VCF-style (leftmost placement, unchanged base first): chr2-70229258-A-ACTT. GRCh37 (hg19) VCF-style: chr2-70456390-A-ACTT.
Other names: p.?; c.277+3_277+5dupAAG (NM_022173.4); c.166+3_166+5dup (NM_001351513.1, NM_001351511.1); c.172+3_172+5dup (NM_001351512.1); c.82+3_82+5dup (NM_001351514.2, NM_001351523.2); c.-144+3_-144+5dup (NM_001351524.2); c.-367+3_-367+5dup (NM_001351517.2); c.277+3_277+5dup (NM_001351510.2, NM_022037.4, NM_001351508.2 and 6 more transcripts); and 3 more.
Identifiers: ClinVar variation 656197 (VCV000656197.15), dbSNP rs1266600719, ClinGen allele CA533216905.